The following is an entry in ClinVar:

NM_182914.3(SYNE2):c.13020_13023+12delinsGATCT

Gene: SYNE2 (spectrin repeat containing nuclear envelope protein 2; plus strand). Cytogenetic location: 14q23.2.
Variant type: Indel.
Coding change: c.13020_13023+12delinsGATCT on transcript NM_182914.3 (MANE Select); coding-DNA position 13020 through 12 bases into the intron after coding-DNA position 13023, TCAGGTAAAAAATGAC replaced by GATCT.
Molecular consequence: splice donor variant.
Genome position (GRCh38, 1-based): chr14:64,119,606-64,119,621, TCAGGTAAAAAATGAC replaced by GATCT. VCF-style: chr14-64119606-TCAGGTAAAAAATGAC-GATCT. GRCh37 (hg19) VCF-style: chr14-64586324-TCAGGTAAAAAATGAC-GATCT.
Other names: c.13020_13023+12delinsGATCT (NM_015180.6).
Identifiers: ClinVar variation 470926 (VCV000470926.5), dbSNP rs1555495562, ClinGen allele CA658658261.

ClinVar aggregate classification (germline): Uncertain significance (1 of 4 stars; one submission).

Conditions:
Emery-Dreifuss muscular dystrophy 5, autosomal dominant (EDMD5). Also called: EMERY-DREIFUSS MUSCULAR DYSTROPHY 5. Identifiers: Orphanet 261, MedGen C2751805, MONDO:0013072, OMIM 612999.

Submission:

Labcorp Genetics (formerly Invitae), Labcorp
Classification: Uncertain significance for Emery-Dreifuss muscular dystrophy 5, autosomal dominant. Last evaluated: 2017-05-25. Review status: criteria provided, single submitter. Criteria: Invitae Variant Classification Sherloc (09022015). Collection method: clinical testing. Allele origin: germline.
Comment: In summary, this variant has uncertain impact on SYNE2 function. The available evidence is currently insufficient to determine its role in disease. Therefore, it has been classified as a Variant of Uncertain Significance. The current clinical and genetic evidence is not sufficient to establish whether loss-of-function variants in SYNE2 cause disease. Algorithms developed to predict the effect of sequence changes on RNA splicing suggest that this variant may disrupt the consensus splice site, but this prediction has not been confirmed by published transcriptional studies. This variant has not been reported in the literature in individuals with a SYNE2-related disease. This variant is not present in population databases (ExAC no frequency). This sequence change creates a premature translational stop signal (p.Asp4340Glufs*23) in the SYNE2 gene. It is expected to result in an absent or disrupted protein product.